The following is an entry in ClinVar:

ClinVar aggregate classification (germline): Uncertain significance (1 of 4 stars; one submission).

Conditions:
Hereditary cancer-predisposing syndrome. Also called: Neoplastic Syndromes, Hereditary; Tumor predisposition; Hereditary Cancer Syndrome; Hereditary neoplastic syndrome. Identifiers: Orphanet 140162, MedGen C0027672, MeSH D009386, MONDO:0015356.

Allele frequency attached by ClinVar (database versions not stated): gnomAD exomes below 0.00001; TOPMed below 0.00001; gnomAD 0.00001.
gnomAD v4.1: 2 of 1,610,768 alleles (0.00012%); highest among the groups gnomAD compares: Non-Finnish European, 0.00017%; no homozygotes.

Submission:

Ambry Genetics
Classification: Uncertain significance for Hereditary cancer-predisposing syndrome. Last evaluated: 2025-10-10. Review status: criteria provided, single submitter. Criteria: Ambry Variant Classification Scheme 2023. Collection method: clinical testing. Allele origin: germline.
Comment: The p.L252V variant (also known as c.754C>G), located in coding exon 5 of the RAD51C gene, results from a C to G substitution at nucleotide position 754. The leucine at codon 252 is replaced by valine, an amino acid with highly similar properties. This amino acid position is not well conserved in available vertebrate species. In addition, this alteration is predicted to be tolerated by in silico analysis. Based on the available evidence, the clinical significance of this variant remains unclear.

NM_058216.3(RAD51C):c.754C>G (p.Leu252Val)

Gene: RAD51C (RAD51 paralog C; plus strand). Cytogenetic location: 17q22.
Variant type: single nucleotide variant.
Coding change: c.754C>G on transcript NM_058216.3 (MANE Select); coding-DNA position 754, C replaced by G.
Protein change: p.Leu252Val; replaces leucine 252 with valine.
Molecular consequence: missense variant. On other transcripts: non-coding transcript variant (1).
Genome position (GRCh38, 1-based): chr17:58,709,907, C>G. VCF-style: chr17-58709907-C-G. GRCh37 (hg19) VCF-style: chr17-56787268-C-G.
Other names: short protein forms L252V.
Identifiers: ClinVar variation 230728 (VCV000230728.6), dbSNP rs876658730, ClinGen allele CA10580751.